The following is an entry in ClinVar:

NM_001370259.2(MEN1):c.277T>A (p.Phe93Ile)

Gene: MEN1 (menin 1; minus strand). Cytogenetic location: 11q13.1.
Variant type: single nucleotide variant.
Coding change: c.277T>A on transcript NM_001370259.2 (MANE Select); coding-DNA position 277, T replaced by A.
Protein change: p.Phe93Ile; replaces phenylalanine 93 with isoleucine.
Molecular consequence: missense variant.
Genome position (GRCh38, 1-based): chr11:64,809,833, A>T on the plus strand (T>A on the coding strand, the complement: MEN1 is on the minus strand). VCF-style: chr11-64809833-A-T. GRCh37 (hg19) VCF-style: chr11-64577305-A-T.
Other names: c.277T>A, p.Phe93Ile (NM_000244.4, NM_001370251.2, NM_001370260.2 and 20 more transcripts); short protein forms F93I.
Identifiers: ClinVar variation 1795914 (VCV001795914.3), dbSNP rs2136186563, ClinGen allele CA381187503.

ClinVar aggregate classification (germline): Uncertain significance (1 of 4 stars; one submission).

Conditions:
Hereditary cancer-predisposing syndrome. Also called: Tumor predisposition; Hereditary Cancer Syndrome; Neoplastic Syndromes, Hereditary; Hereditary neoplastic syndrome. Identifiers: Orphanet 140162, MedGen C0027672, MeSH D009386, MONDO:0015356.

Submission:

Ambry Genetics
Classification: Uncertain significance for Hereditary cancer-predisposing syndrome. Last evaluated: 2024-12-09. Review status: criteria provided, single submitter. Criteria: Ambry Variant Classification Scheme 2023. Collection method: clinical testing. Allele origin: germline.
Comment: The p.F93I variant (also known as c.277T>A), located in coding exon 1 of the MEN1 gene, results from a T to A substitution at nucleotide position 277. The phenylalanine at codon 93 is replaced by isoleucine, an amino acid with highly similar properties. This amino acid position is conserved. In addition, this alteration is predicted to be deleterious by in silico analysis. Since supporting evidence is limited at this time, the clinical significance of this alteration remains unclear.